The following is an entry in ClinVar:

ClinVar aggregate classification (germline): Uncertain significance (1 of 4 stars; one submission).

Conditions:
Dilated cardiomyopathy 1G (CMD1G). Identifiers: Orphanet 154, MedGen C1858763, MONDO:0011400, OMIM 604145.
Autosomal recessive limb-girdle muscular dystrophy type 2J (LGMDR10). Also called: Limb-girdle muscular dystrophy, type 2J; MUSCULAR DYSTROPHY, LIMB-GIRDLE, AUTOSOMAL RECESSIVE 10. Identifiers: Orphanet 140922, MedGen C1837342, MONDO:0012127, OMIM 608807.

Allele frequency attached by ClinVar (database versions not stated): TOPMed below 0.00001.

Submission:

Labcorp Genetics (formerly Invitae), Labcorp
Classification: Uncertain significance for Dilated cardiomyopathy 1G; Autosomal recessive limb-girdle muscular dystrophy type 2J. Last evaluated: 2023-10-12. Review status: criteria provided, single submitter. Criteria: Invitae Variant Classification Sherloc (09022015). Collection method: clinical testing. Allele origin: germline.
Comment: This sequence change replaces lysine, which is basic and polar, with threonine, which is neutral and polar, at codon 34313 of the TTN protein (p.Lys34313Thr). This variant is not present in population databases (gnomAD no frequency). This variant has not been reported in the literature in individuals affected with TTN-related conditions. Experimental studies and prediction algorithms are not available or were not evaluated, and the functional significance of this variant is currently unknown. In summary, the available evidence is currently insufficient to determine the role of this variant in disease. Therefore, it has been classified as a Variant of Uncertain Significance.

NM_001267550.2(TTN):c.102938A>C (p.Lys34313Thr)

Genes: TTN (titin; minus strand), TTN-AS1 (TTN antisense RNA 1; plus strand). Cytogenetic location: 2q31.2.
Variant type: single nucleotide variant.
Coding change: c.102938A>C on transcript NM_001267550.2 (MANE Select); coding-DNA position 102938, A replaced by C.
Protein change: p.Lys34313Thr; replaces lysine 34313 with threonine.
Molecular consequence: missense variant.
Genome position (GRCh38, 1-based): chr2:178,533,677, T>G on the plus strand (A>C on the coding strand, the complement: TTN is on the minus strand). VCF-style: chr2-178533677-T-G. GRCh37 (hg19) VCF-style: chr2-179398404-T-G.
Other names: c.98015A>C, p.Lys32672Thr (NM_001256850.1); c.75743A>C, p.Lys25248Thr (NM_003319.4); c.95234A>C, p.Lys31745Thr (NM_133378.4); c.76118A>C, p.Lys25373Thr (NM_133432.3); c.76319A>C, p.Lys25440Thr (NM_133437.4); short protein forms K25373T, K32672T, K25440T, K25248T, K31745T, K34313T.
Identifiers: ClinVar variation 2951922 (VCV002951922.3), dbSNP rs1027988280, ClinGen allele CA60957686.